The following is an entry in ClinVar:

ClinVar aggregate classification (germline): Uncertain significance. Review status: criteria provided, multiple submitters, no conflicts (2 of 4 stars). 3 submissions from 2 submitters: Uncertain significance (3). Last evaluated 2022-05-12.

Conditions:
Autosomal dominant nonsyndromic hearing loss 12. Also called: DEAFNESS, AUTOSOMAL DOMINANT 8. Identifiers: Orphanet 90635, MedGen C1832187, MONDO:0011102, OMIM 601543.
Autosomal recessive nonsyndromic hearing loss 21. Identifiers: Orphanet 90636, MedGen C1863655, MONDO:0011351, OMIM 603629.

Allele frequency attached by ClinVar (database versions not stated): gnomAD exomes 0.00001; TOPMed 0.00001.
gnomAD v4.1: 3 of 1,614,194 alleles (0.00019%); highest among the groups gnomAD compares: Admixed American, 0.005%; no homozygotes.

Submissions (3):

GeneDx
Classification: Uncertain significance. Last evaluated: 2022-05-12. Review status: criteria provided, single submitter. Criteria: GeneDx Variant Classification Process June 2021. Collection method: clinical testing. Allele origin: germline. Affected: yes.
Comment: In silico analysis supports that this missense variant has a deleterious effect on protein structure/function; Has not been previously published as pathogenic or benign to our knowledge; This variant is associated with the following publications: (PMID: 21520338, 31554319, 9590290)

Illumina Laboratory Services, Illumina
Classification: Uncertain significance for Autosomal recessive nonsyndromic hearing loss 21. Last evaluated: 2017-04-28. Review status: criteria provided, single submitter. Criteria: ICSL Variant Classification Criteria 13 December 2019. Collection method: clinical testing. Allele origin: germline.

Illumina Laboratory Services, Illumina
Classification: Uncertain significance for Autosomal dominant nonsyndromic hearing loss 12. Last evaluated: 2017-04-28. Review status: criteria provided, single submitter. Criteria: ICSL Variant Classification Criteria 13 December 2019. Collection method: clinical testing. Allele origin: germline.

NM_005422.4(TECTA):c.880T>C (p.Cys294Arg)

Genes: TECTA (tectorin alpha; plus strand), TBCEL-TECTA (TBCEL-TECTA readthrough; plus strand). Cytogenetic location: 11q23.3.
Variant type: single nucleotide variant.
Coding change: c.880T>C on transcript NM_005422.4 (MANE Select); coding-DNA position 880, T replaced by C.
Protein change: p.Cys294Arg; replaces cysteine 294 with arginine.
Molecular consequence: missense variant.
Genome position (GRCh38, 1-based): chr11:121,118,395, T>C. VCF-style: chr11-121118395-T-C. GRCh37 (hg19) VCF-style: chr11-120989104-T-C.
Other names: short protein forms C294R.
Identifiers: ClinVar variation 879127 (VCV000879127.5), dbSNP rs1352301200, ClinGen allele CA383007636.